The following is an entry in ClinVar:

ClinVar aggregate classification (germline): Conflicting classifications of pathogenicity. Review status: criteria provided, conflicting classifications (1 of 4 stars). 6 submissions from 6 submitters: Uncertain significance (1); Benign (1); Likely benign (3). 1 of the submissions does not count toward it. Last evaluated 2025-01-09.

Conditions:
Hereditary nonpolyposis colorectal neoplasms. Identifiers: MedGen C0009405, MeSH D003123.
MSH6-related disorder. Also called: MSH6-related condition; MSH6-Related disorders.
Lynch syndrome 5 (LYNCH5). Also called: Colorectal cancer, hereditary nonpolyposis, type 5; Hereditary non-polyposis colorectal cancer, type 5. Identifiers: Orphanet 144, MedGen C1833477, MONDO:0013710, OMIM 614350. Disease mechanism: loss of function.
Hereditary cancer-predisposing syndrome. Also called: Tumor predisposition; Neoplastic Syndromes, Hereditary; Hereditary neoplastic syndrome; Hereditary Cancer Syndrome. Identifiers: Orphanet 140162, MedGen C0027672, MeSH D009386, MONDO:0015356.

Allele frequency attached by ClinVar (database versions not stated): gnomAD 0.00001; gnomAD exomes 0.00001; TOPMed 0.00001.
gnomAD v4.1: 9 of 1,595,106 alleles (0.00056%); highest among the groups gnomAD compares: Non-Finnish European, 0.00077%; no homozygotes.

Submissions (6):

Myriad Genetics, Inc.
Classification: Benign for Lynch syndrome 5. Last evaluated: 2025-01-09. Review status: criteria provided, single submitter. Criteria: Myriad Autosomal Dominant, Autosomal Recessive and X-Linked Classification Criteria (2023). Collection method: clinical testing. Allele origin: unknown.
Comment: This variant is considered benign. This variant is a silent/synonymous amino acid change and it is not expected to impact splicing.

Labcorp Genetics (formerly Invitae), Labcorp
Classification: Likely benign for Hereditary nonpolyposis colorectal neoplasms. Last evaluated: 2024-11-18. Review status: criteria provided, single submitter. Criteria: Invitae Variant Classification Sherloc (09022015). Collection method: clinical testing. Allele origin: germline.

GeneDx
Classification: Uncertain significance. Last evaluated: 2023-04-20. Review status: criteria provided, single submitter. Criteria: GeneDx Variant Classification Process June 2021. Collection method: clinical testing. Allele origin: germline. Affected: yes.
Comment: Not observed at significant frequency in large population cohorts (gnomAD); In silico analysis supports that this variant does not alter splicing; Has not been previously published as pathogenic or benign to our knowledge

Ambry Genetics
Classification: Likely benign for Hereditary cancer-predisposing syndrome. Last evaluated: 2018-10-02. Review status: criteria provided, single submitter. Criteria: Ambry Variant Classification Scheme 2023. Collection method: clinical testing. Allele origin: germline.

Color Diagnostics, LLC DBA Color Health
Classification: Likely benign for Hereditary cancer-predisposing syndrome. Last evaluated: 2016-08-18. Review status: criteria provided, single submitter. Criteria: ACMG Guidelines, 2015. Collection method: clinical testing. Allele origin: germline.

PreventionGenetics, part of Exact Sciences
Classification: Likely benign for MSH6-related condition. Last evaluated: 2019-04-24. Review status: no assertion criteria provided. Collection method: clinical testing. Allele origin: germline. Not counted in ClinVar's aggregate classification.
Comment: This variant is classified as likely benign based on ACMG/AMP sequence variant interpretation guidelines (Richards et al. 2015 PMID: 25741868, with internal and published modifications).

NM_000179.3(MSH6):c.4012C>T (p.Leu1338=)

Gene: MSH6 (mutS homolog 6; plus strand). Cytogenetic location: 2p16.3.
Variant type: single nucleotide variant.
Coding change: c.4012C>T on transcript NM_000179.3 (MANE Select); coding-DNA position 4012, C replaced by T.
Protein change: p.Leu1338=; no amino-acid change (leucine 1338 retained).
Molecular consequence: synonymous variant.
Genome position (GRCh38, 1-based): chr2:47,806,789, C>T. VCF-style: chr2-47806789-C-T. GRCh37 (hg19) VCF-style: chr2-48033928-C-T.
Other names: c.3622C>T, p.Leu1208= (NM_001281492.2); c.3106C>T, p.Leu1036= (NM_001281493.2, NM_001281494.2).
Identifiers: ClinVar variation 416143 (VCV000416143.22), dbSNP rs1060504743, ClinGen allele CA16611189.